The following is an entry in ClinVar:

ClinVar aggregate classification (germline): Uncertain significance (1 of 4 stars; one submission).

Conditions:
ARSB-related disorder. Also called: ARSB-related condition.

gnomAD v4.1: 18 of 1,614,014 alleles (0.0011%); highest among the groups gnomAD compares: Admixed American, 0.018%; no homozygotes.

Submission:

PreventionGenetics, part of Exact Sciences
Classification: Uncertain significance for ARSB-related condition. Last evaluated: 2026-03-05. Review status: criteria provided, single submitter. Criteria: ACMG Guidelines, 2015. Collection method: clinical testing. Allele origin: germline.
Comment: The ARSB c.569C>T variant is predicted to result in the amino acid substitution p.Thr190Ile. To our knowledge, this variant has not been reported in the literature. This variant is reported in 0.035% of alleles in individuals of Latino descent in gnomAD. At this time, the clinical significance of this variant is uncertain due to the absence of conclusive functional and genetic evidence.

NM_000046.5(ARSB):c.569C>T (p.Thr190Ile)

Gene: ARSB (arylsulfatase B; minus strand). Cytogenetic location: 5q14.1.
Variant type: single nucleotide variant.
Coding change: c.569C>T on transcript NM_000046.5 (MANE Select); coding-DNA position 569, C replaced by T.
Protein change: p.Thr190Ile; replaces threonine 190 with isoleucine.
Molecular consequence: missense variant.
Genome position (GRCh38, 1-based): chr5:78,964,537, G>A on the plus strand (C>T on the coding strand, the complement: ARSB is on the minus strand). VCF-style: chr5-78964537-G-A. GRCh37 (hg19) VCF-style: chr5-78260360-G-A.
Other names: c.569C>T, p.Thr190Ile (NM_198709.3); short protein forms T190I.
Identifiers: ClinVar variation 4981505 (VCV004981505.1).
Genomic context (GRCh38, chr5:78,964,537, plus strand): 5'-TACATATTTTTATATCCTGTTGCAACTTCTTCGCCATCTCGAAAATCAAGAGCACATCGT[G>A]TGACATTCAGAGCGTCAATTAATGTACAGCGTTCATGGGAATAATAATCTTCACTACCCA-3'
Protein context (NP_000037.2, residues 180-200): RCTLIDALNV[Thr190Ile]RCALDFRDGE